The following is an entry in ClinVar:

NM_177438.3(DICER1):c.976G>A (p.Val326Ile)

Gene: DICER1 (dicer 1, ribonuclease III; minus strand). Cytogenetic location: 14q32.13.
Variant type: single nucleotide variant.
Coding change: c.976G>A on transcript NM_177438.3 (MANE Select); coding-DNA position 976, G replaced by A.
Protein change: p.Val326Ile; replaces valine 326 with isoleucine.
Molecular consequence: missense variant.
Genome position (GRCh38, 1-based): chr14:95,124,596, C>T on the plus strand (G>A on the coding strand, the complement: DICER1 is on the minus strand). VCF-style: chr14-95124596-C-T. GRCh37 (hg19) VCF-style: chr14-95590933-C-T.
Other names: c.976G>A, p.Val326Ile (NM_001195573.1, NM_001271282.3, NM_001291628.2 and 1 more transcripts); short protein forms V326I.
Identifiers: ClinVar variation 543630 (VCV000543630.11), dbSNP rs1555374798, ClinGen allele CA390887249.

ClinVar aggregate classification (germline): Uncertain significance. Review status: criteria provided, multiple submitters, no conflicts (2 of 4 stars). 3 submissions from 3 submitters: Uncertain significance (3). Last evaluated 2026-01-31.

Conditions:
DICER1-related tumor predisposition. Also called: DICER1-related pleuropulmonary blastoma cancer predisposition syndrome; DICER1 syndrome. Identifiers: Orphanet 284343, MedGen C3839822, MONDO:0100216.
Hereditary cancer-predisposing syndrome. Also called: Neoplastic Syndromes, Hereditary; Tumor predisposition; Hereditary Cancer Syndrome; Hereditary neoplastic syndrome. Identifiers: Orphanet 140162, MedGen C0027672, MeSH D009386, MONDO:0015356.
Global developmental delay - lung cysts - overgrowth - Wilms tumor syndrome. Also called: GLOBAL DEVELOPMENTAL DELAY, LUNG CYSTS, OVERGROWTH, AND WILMS TUMOR; GLOW Syndrome. Identifiers: Orphanet 404476, MedGen C4748924, MONDO:0018445, OMIM 618272.

gnomAD v4.1: 7 of 1,613,762 alleles (0.00043%); highest among the groups gnomAD compares: Middle Eastern, 0.033%; no homozygotes.

Submissions (3):

Labcorp Genetics (formerly Invitae), Labcorp
Classification: Uncertain significance for DICER1-related tumor predisposition. Last evaluated: 2026-01-31. Review status: criteria provided, single submitter. Criteria: Invitae Variant Classification Sherloc (09022015). Collection method: clinical testing. Allele origin: germline.
Comment: This sequence change replaces valine, which is neutral and non-polar, with isoleucine, which is neutral and non-polar, at codon 326 of the DICER1 protein (p.Val326Ile). This variant is not present in population databases (gnomAD no frequency). This variant has not been reported in the literature in individuals affected with DICER1-related conditions. ClinVar contains an entry for this variant (Variation ID: 543630). Invitae Evidence Modeling of protein sequence and biophysical properties (such as structural, functional, and spatial information, amino acid conservation, physicochemical variation, residue mobility, and thermodynamic stability) indicates that this missense variant is not expected to disrupt DICER1 protein function with a negative predictive value of 95%. In summary, the available evidence is currently insufficient to determine the role of this variant in disease. Therefore, it has been classified as a Variant of Uncertain Significance.

Baylor Genetics
Classification: Uncertain significance for Global developmental delay - lung cysts - overgrowth - Wilms tumor syndrome. Last evaluated: 2023-10-05. Review status: criteria provided, single submitter. Criteria: ACMG Guidelines, 2015. Collection method: clinical testing. Allele origin: unknown.

Ambry Genetics
Classification: Uncertain significance for Hereditary cancer-predisposing syndrome. Last evaluated: 2023-08-17. Review status: criteria provided, single submitter. Criteria: Ambry Variant Classification Scheme 2023. Collection method: clinical testing. Allele origin: germline.
Comment: The p.V326I variant (also known as c.976G>A), located in coding exon 7 of the DICER1 gene, results from a G to A substitution at nucleotide position 976. The valine at codon 326 is replaced by isoleucine, an amino acid with highly similar properties. This amino acid position is highly conserved in available vertebrate species. In addition, this alteration is predicted to be tolerated by in silico analysis. Since supporting evidence is limited at this time, the clinical significance of this alteration remains unclear.